The following is an entry in ClinVar:

ClinVar aggregate classification (germline): Likely benign. Review status: criteria provided, multiple submitters, no conflicts (2 of 4 stars). 3 submissions from 3 submitters: Likely benign (2). 1 of the submissions does not count toward it. Last evaluated 2026-06-01.

Conditions:
AP3B2-related disorder. Also called: AP3B2-related condition.

Allele frequency attached by ClinVar (database versions not stated): ESP Exome Variant Server 0.00008; TOPMed 0.00009; gnomAD exomes 0.00016 and 0.00038; ExAC 0.00029; gnomAD 0.00041 and 0.00044.
gnomAD v4.1: 294 of 1,613,678 alleles (0.018%); highest among the groups gnomAD compares: East Asian, 0.06%; 1 homozygote.

Submissions (4):

CeGaT Center for Human Genetics Tuebingen
Classification: Likely benign. Last evaluated: 2026-06-01. Review status: criteria provided, single submitter. Criteria: CeGaT Center For Human Genetics Tuebingen Variant Classification Criteria Version 2. Collection method: clinical testing. Allele origin: germline. Affected: yes. Observed: 1 variant allele.
Comment: AP3B2: BS2

Labcorp Genetics (formerly Invitae), Labcorp
Classification: Likely benign. Last evaluated: 2026-01-07. Review status: criteria provided, single submitter. Criteria: Invitae Variant Classification Sherloc (09022015). Collection method: clinical testing. Allele origin: germline.

PreventionGenetics, part of Exact Sciences
Classification: Likely benign for AP3B2-related condition. Last evaluated: 2022-06-13. Review status: no assertion criteria provided. Collection method: clinical testing. Allele origin: germline. Not counted in ClinVar's aggregate classification.
Comment: This variant is classified as likely benign based on ACMG/AMP sequence variant interpretation guidelines (Richards et al. 2015 PMID: 25741868, with internal and published modifications).

Dr. Peter K. Rogan Lab, Western University
No classification provided (evidence only). Condition: Familial cancer of breast. Review status: no classification provided. Collection method: in vitro. Allele origin: not applicable. Functional consequence: retained intron. Not counted in ClinVar's aggregate classification.

NM_001278512.2(AP3B2):c.2988G>A (p.Met996Ile)

Genes: AP3B2 (adaptor related protein complex 3 subunit beta 2; minus strand), CPEB1-AS1 (CPEB1 antisense RNA 1; plus strand). Cytogenetic location: 15q25.2.
Variant type: single nucleotide variant.
Coding change: c.2988G>A on transcript NM_001278512.2 (MANE Select); coding-DNA position 2988, G replaced by A.
Protein change: p.Met996Ile; replaces methionine 996 with isoleucine.
Molecular consequence: missense variant.
Genome position (GRCh38, 1-based): chr15:82,661,853, C>T on the plus strand (G>A on the coding strand, the complement: AP3B2 is on the minus strand). VCF-style: chr15-82661853-C-T. GRCh37 (hg19) VCF-style: chr15-83330605-C-T.
Other names: c.2835G>A, p.Met945Ile (NM_001278511.2); c.120G>A, p.Met40Ile (NM_001348441.2); c.2931G>A, p.Met977Ile (NM_004644.5); c.2931G>A (NM_004644.4); short protein forms M40I, M945I, M977I, M996I.
Identifiers: ClinVar variation 1638530 (VCV001638530.13), dbSNP rs376398184, ClinGen allele CA7699735.